The following is an entry in ClinVar:

ClinVar aggregate classification (germline): Uncertain significance (1 of 4 stars; one submission).

Conditions:
Primary ciliary dyskinesia. Also called: Ciliary dyskinesia. Identifiers: Orphanet 244, MedGen C0008780, MONDO:0016575, HP:0012265.

Submission:

Labcorp Genetics (formerly Invitae), Labcorp
Classification: Uncertain significance for Primary ciliary dyskinesia. Last evaluated: 2023-11-24. Review status: criteria provided, single submitter. Criteria: Invitae Variant Classification Sherloc (09022015). Collection method: clinical testing. Allele origin: germline.
Comment: This sequence change replaces arginine, which is basic and polar, with lysine, which is basic and polar, at codon 413 of the RPGR protein (p.Arg413Lys). This variant is not present in population databases (gnomAD no frequency). This variant has not been reported in the literature in individuals affected with RPGR-related conditions. Advanced modeling of protein sequence and biophysical properties (such as structural, functional, and spatial information, amino acid conservation, physicochemical variation, residue mobility, and thermodynamic stability) has been performed at Invitae for this missense variant, however the output from this modeling did not meet the statistical confidence thresholds required to predict the impact of this variant on RPGR protein function. In summary, the available evidence is currently insufficient to determine the role of this variant in disease. Therefore, it has been classified as a Variant of Uncertain Significance.

NM_001034853.2(RPGR):c.1238G>A (p.Arg413Lys)

Gene: RPGR (retinitis pigmentosa GTPase regulator; minus strand). Cytogenetic location: Xp11.4.
Variant type: single nucleotide variant.
Coding change: c.1238G>A on transcript NM_001034853.2 (MANE Select); coding-DNA position 1238, G replaced by A.
Protein change: p.Arg413Lys; replaces arginine 413 with lysine.
Molecular consequence: missense variant. On other transcripts: non-coding transcript variant (6), intron variant (2).
Genome position (GRCh38, 1-based): chrX:38,298,963, C>T on the plus strand (G>A on the coding strand, the complement: RPGR is on the minus strand). VCF-style: chrX-38298963-C-T. GRCh37 (hg19) VCF-style: chrX-38158216-C-T.
Other names: c.1238G>A, p.Arg413Lys (NM_000328.3, NM_001367247.1); c.1235G>A, p.Arg412Lys (NM_001367245.1, NM_001367249.1, NM_001367250.1); c.1268G>A, p.Arg423Lys (NM_001367248.1); c.1060-1511G>A (NM_001367251.1, NM_001367246.1); short protein forms R413K, R423K, R412K.
Identifiers: ClinVar variation 2809107 (VCV002809107.3), dbSNP rs2519828610, ClinGen allele CA412739721.